The following is an entry in ClinVar:

NM_052859.4(RFT1):c.533G>A (p.Gly178Glu)

Gene: RFT1 (RFT1 glycolipid translocator homolog; minus strand). Cytogenetic location: 3p21.1.
Variant type: single nucleotide variant.
Coding change: c.533G>A on transcript NM_052859.4 (MANE Select); coding-DNA position 533, G replaced by A.
Protein change: p.Gly178Glu; replaces glycine 178 with glutamic acid.
Molecular consequence: missense variant.
Genome position (GRCh38, 1-based): chr3:53,121,724, C>T on the plus strand (G>A on the coding strand, the complement: RFT1 is on the minus strand). VCF-style: chr3-53121724-C-T. GRCh37 (hg19) VCF-style: chr3-53155740-C-T.
Other names: short protein forms G178E.
Identifiers: ClinVar variation 1425489 (VCV001425489.3), dbSNP rs373067263, ClinGen allele CA2451429.

ClinVar aggregate classification (germline): Uncertain significance (1 of 4 stars; one submission).

Conditions:
RFT1-congenital disorder of glycosylation (CDG1N). Also called: CDG In; Congenital disorder of glycosylation type In; RFT1-CDG. Identifiers: Orphanet 244310, MedGen C2677590, MONDO:0012783, OMIM 612015.

Allele frequency attached by ClinVar (database versions not stated): gnomAD exomes 0.00001; ExAC 0.00002; TOPMed 0.00005; gnomAD 0.00007 and 0.00008; ESP Exome Variant Server 0.00008.
gnomAD v4.1: 15 of 1,613,724 alleles (0.00093%); highest among the groups gnomAD compares: African/African-American, 0.02%; no homozygotes.

Submission:

Labcorp Genetics (formerly Invitae), Labcorp
Classification: Uncertain significance for RFT1-congenital disorder of glycosylation. Last evaluated: 2022-07-05. Review status: criteria provided, single submitter. Criteria: Invitae Variant Classification Sherloc (09022015). Collection method: clinical testing. Allele origin: germline.
Comment: This sequence change replaces glycine, which is neutral and non-polar, with glutamic acid, which is acidic and polar, at codon 178 of the RFT1 protein (p.Gly178Glu). This variant is present in population databases (rs373067263, gnomAD 0.03%). This variant has not been reported in the literature in individuals affected with RFT1-related conditions. ClinVar contains an entry for this variant (Variation ID: 1425489). Algorithms developed to predict the effect of missense changes on protein structure and function are either unavailable or do not agree on the potential impact of this missense change (SIFT: "Tolerated"; PolyPhen-2: "Probably Damaging"; Align-GVGD: "Class C0"). In summary, the available evidence is currently insufficient to determine the role of this variant in disease. Therefore, it has been classified as a Variant of Uncertain Significance.